The following is an entry in ClinVar:

NM_000466.3(PEX1):c.2988_2989insAAGAGACA (p.Gly997fs)

Genes: GATAD1 (GATA zinc finger domain containing 1; plus strand), PEX1 (peroxisomal biogenesis factor 1; minus strand). Cytogenetic location: 7q21.2.
Variant type: Insertion.
Coding change: c.2988_2989insAAGAGACA on transcript NM_000466.3 (MANE Select); coding-DNA positions 2988 to 2989, AAGAGACA inserted.
Protein change: p.Gly997fs; shifts the reading frame from glycine 997.
Molecular consequence: frameshift variant.
Genome position: GRCh38 VCF-style: chr7-92494334-C-CTGTCTCTT. GRCh37 (hg19) VCF-style: chr7-92123648-C-CTGTCTCTT.
Other names: c.2817_2818insAAGAGACA, p.Gly940fs (NM_001282677.2); c.2364_2365insAAGAGACA, p.Gly789fs (NM_001282678.2); short protein forms G789fs, G940fs, G997fs.
Identifiers: ClinVar variation 5011625 (VCV005011625.1).

ClinVar aggregate classification (germline): Pathogenic (1 of 4 stars; one submission).

Conditions:
Peroxisome biogenesis disorder. Identifiers: Orphanet 79189, MedGen C1832200, MONDO:0019234. Disease mechanism: loss of function.

Submission:

Myriad Genetics, Inc.
Classification: Pathogenic for Peroxisome biogenesis disorder. Last evaluated: 2023-09-09. Review status: criteria provided, single submitter. Criteria: Myriad Autosomal Dominant, Autosomal Recessive and X-Linked Classification Criteria (2023). Collection method: clinical testing. Allele origin: unknown.
Comment: NM_000466.2(PEX1):c.2988_2989ins8(G997Kfs*6) is expected to be pathogenic in the context of peroxisome biogenesis disorder type 1. This variant is predicted to lead to an abnormal or absent protein product due to the creation of a premature termination codon in PEX1, a gene where loss-of-function variants are known to be pathogenic. Please note: this variant was assessed in the context of healthy population screening.